The following continues an entry in ClinVar:

NM_000152.5(GAA):c.2238G>C (p.Trp746Cys)

Gene: GAA. ClinVar aggregate classification (germline): Pathogenic. Pathogenic (1).

Submissions 21 to 28 of 32:

Broad Center for Mendelian Genomics, Broad Institute of MIT and Harvard
Classification: Pathogenic for Glycogen storage disease, type II. Last evaluated: 2020-01-22. Review status: criteria provided, single submitter. Criteria: ACMG Guidelines, 2015. Collection method: curation. Allele origin: germline. Inheritance: Autosomal recessive inheritance. Not counted in ClinVar's aggregate classification.
Comment: The p.Trp746Cys variant in GAA has been reported in at least 35 individuals (including 26 in China, 5 in Taiwan, and 1 in Malaysia) with Glycogen Storage Disease II (PMID: 21757382, 25526786, 18458862, 7981676, 21232767, 25093132, 27099502, 29120458, 29095275, 28433475, 27099502), and has also been reported pathogenic by 10 submitters and likely pathogenic by 1 submitter in ClinVar (Variation ID: 265160). This variant has been identified in 0.057% (73/128684) of European (non-Finnish) chromosomes and 0.035% (7/19948) of East Asian chromosomes by the Genome Aggregation Database (gnomAD; dbSNP rs1800312). Although this variant has been seen in the general population, its frequency is low enough to be consistent with a recessive carrier frequency. In vitro functional studies with transfected cells provide some evidence that the p.Trp746Cys variant may impact GAA activity protein levels (PMID: 21757382, 23430493, 9535769). However, these types of assays may not accurately represent biological function. Computational prediction tools and conservation analyses suggest that this variant may impact the protein, though this information is not predictive enough to determine pathogenicity. The presence of this variant in the homozygous state and in combination with reported pathogenic and likely pathogenic variants, and in individuals with Glycogen Storage Disease II increases the likelihood that the p.Trp746Cys variant is pathogenic (PMID: 25093132, 25526786, 18458862). Four additional variants at the same position (p.Trp746Gly, p.Trp746Arg, p.Trp746Leu, and p.Trp746Ser), are pathogenic, likely pathogenic, or reported in association with disease in ClinVar (Variation ID: 556431, 499293, 284776, 188484). The phenotype of individuals heterozygous for this variant is highly specific for Glycogen Storage Disease II based on reduced GAA activity in relevant tissue, consistent with disease (PMID: 25526786, 18458862, 21757382, 21232767). In summary, this variant meets criteria to be classified as pathogenic for Glycogen Storage Disease II in an autosomal recessive manner based on multiple occurrences with pathogenic and likely pathogenic variants in individuals with Glycogen Storage Disease II and in vitro functional studies with transfected cells. ACMG/AMP Criteria applied: PM3_VeryStrong, PS3_Moderate, PM2, PP3, PP4 (Richards 2015).

Myriad Genetics, Inc.
Classification: Pathogenic for Glycogen storage disease, type II. Last evaluated: 2019-12-24. Review status: criteria provided, single submitter. Criteria: Myriad Women's Health Autosomal Recessive and X-Linked Classification Criteria (2019). Collection method: clinical testing. Allele origin: unknown. Not counted in ClinVar's aggregate classification.
Comment: NM_000152.3(GAA):c.2238G>C(W746C) is classified as pathogenic in the context of Pompe disease. Sources cited for classification include the following: PMID 25093132, 9535769, 23430493, 25526786, 21757382 and 27099502. Classification of NM_000152.3(GAA):c.2238G>C(W746C) is based on the following criteria: This is a well-established pathogenic variant in the literature that has been observed more frequently in patients with clinical diagnoses than in healthy populations. Please note: this variant was assessed in the context of healthy population screening.â€šÃ„Ã¶âˆšÃ‘âˆšÂ£

ARUP Laboratories, Molecular Genetics and Genomics, ARUP Laboratories
Classification: Pathogenic for Glycogen storage disease, type II. Last evaluated: 2019-09-04. Review status: criteria provided, single submitter. Criteria: ARUP Molecular Germline Variant Investigation Process. Collection method: clinical testing. Allele origin: germline. Not counted in ClinVar's aggregate classification.
Comment: The GAA c.2238G>C; p.Trp746Cys variant (rs1800312; ClinVar Variation ID: 265160) has been identified in several individuals, both as a homozygote and in trans other pathogenic GAA variants, included in cohorts of late stage/juvenile onset Pompe disease (Yang 2011, Liu 2014, Wan 2008, Lee 2017, Liu 2018, Zhao 2019), and is the most commonly identified variant in Chinese and Taiwanese Pompe patients. Functional assessment of the p.Trp746Cys variant has revealed this variant significantly reduces GAA enzyme active compared to wild-type, although some residual activity remains (Yang 2011 and Nino 2013). Additionally, four other amino acid substitutions at codon 746 have been associated with Pompe disease: p.Trp746Arg (Nino 2013), p.Trp746Leu (Wittmann 2012), p.Trp746Gly (Labrousse 2010), and p.Trp746Ser (Kroos 2008). Functional characterization of these changes demonstrated that all have a varied impact on GAA enzyme function; ranging from less severe (p.Trp746Arg and p.Trp746Gly), to probably non-pathogenic (p.Trp746Ser) (Nino 2013). Thus, the p.Trp746Cys variant satisfies our criteria for classification as pathogenic. References: Kroos et al. Update of the Pompe disease mutation database with 107 sequence variants and a format for severity rating. Hum Mutat. 2008; 29(6): E13-26. Labrousse et al. Genetic heterozygosity and pseudodeficiency in the Pompe disease newborn screening pilot program. Mol Genet Metab. 2010; 99(4): 379-383. Lee JH et al. Targeted population screening of late onset Pompe disease in unspecified myopathy patients for Korean population. Neuromuscul Disord. 2017 Jun;27(6):550-556 Liu et al. Clinical and GAA gene mutation analysis in mainland Chinese patients with late-onset Pompe disease: identifying c.2238G > C as the most common mutation. BMC Med Genet. 2014; 15:141. Liu HX et al. Identification of Seven Novel Mutations in the Acid Alpha-glucosidase Gene in Five Chinese Patients with Late-onset Pompe Disease. Chin Med J (Engl). 2018 Feb 20;131(4):448-453. Nino et al. Identification and Functional Characterization of GAA Mutations in Colombian Patients Affected by Pompe Disease. JIMD Rep. 2013; 7: 39-48. Wan et al. Identification of eight novel mutations of the acid alpha-glucosidase gene causing the infantile or juvenile form of glycogen storage disease type II. J Neurol. 2008; 255(6): 831-838. Wittmann et al. Newborn screening for lysosomal storage disorders in hungary. JIMD Rep. 2012; 6: 117-125. Yang et al. Rapid progressive course of later-onset Pompe disease in Chinese patients. Mol Genet Metab. 2011; 104(3): 284-288. Zhao et al. Characteristics of Pompe disease in China: a report from the Pompe registry. Orphanet J Rare Dis. 2019 Apr 3;14(1):78.

Laboratory for Molecular Medicine, Mass General Brigham Personalized Medicine
Classification: Pathogenic for Glycogen storage disease. Last evaluated: 2018-08-08. Review status: criteria provided, single submitter. Criteria: LMM Criteria. Collection method: clinical testing. Allele origin: germline. Inheritance: Autosomal recessive inheritance. Observed: 1 variant allele. Not counted in ClinVar's aggregate classification.
Comment: The p.Trp746Cys variant in GAA has been reported in at least 2 homozygous and 24 compound heterozygous Asian individuals with juvenile- or adult-onset glycogen storage disease type II (GSDII) also known as Pompe disease (Wan 2008, Chien 20 11, Yang 2011, Liu 2014, Liong 2014, Zhang 2016, Lee 2017, Park 2017), and segre gated with GSDII in 3 affected relatives from 2 families (Yang 2011, Liu 2014). This variant has been identified in 72/126398 European and 6/18864 East Asian ch romosomes by the Genome Aggregation Database (gnomAD; dbSNP rs1800312). Although this variant has been seen in the general pop ulation, its frequency is low enough to be consistent with a recessive carrier f requency. Computational prediction tools and conservation analysis suggest that the p.Trp746Cys variant may impact the protein. In vitro functional studies prov ide some evidence that the p.Trp746Cys variant may impact protein function (Huie 1994, Huie 1998, Yang 2011, Nino 2013). In summary, this variant meets criteria to be classified as pathogenic for GSDII in an autosomal recessive manner. ACMG /AMP Criteria applied: PM3_VeryStrong, PS3_Moderate, PP1, PP3, PP4.

Eurofins Ntd Llc (ga)
Classification: Pathogenic. Last evaluated: 2018-07-20. Review status: criteria provided, single submitter. Criteria: EGL ClinVar v180209 classification definitions. Collection method: clinical testing. Allele origin: germline. Observed: 10 variant alleles, 10 heterozygotes. Not counted in ClinVar's aggregate classification.

SIB Swiss Institute of Bioinformatics
Classification: Likely pathogenic for Glycogen storage disease, type II. Last evaluated: 2018-05-31. Review status: criteria provided, single submitter. Criteria: ACMG Guidelines, 2015. Collection method: curation. Allele origin: unknown. Not counted in ClinVar's aggregate classification.
Comment: This variant is interpreted as a Likely Pathogenic, for Glycogen storage disease 2, in Autosomal Recessive manner. The following ACMG Tag(s) were applied: PP3 => Multiple lines of computational evidence support a deleterious effect on the gene or gene product. PM2 => Absent from controls (or at extremely low frequency if recessive) in Exome Sequencing Project, 1000 Genomes Project, or Exome Aggregation Consortium. PS3 => Well-established functional studies show a deleterious effect (PMID:18458862).

Illumina Laboratory Services, Illumina
Classification: Pathogenic for Glycogen storage disease, type II. Last evaluated: 2017-04-27. Review status: criteria provided, single submitter. Criteria: ICSL Variant Classification Criteria 09 May 2019. Collection method: clinical testing. Allele origin: germline. Not counted in ClinVar's aggregate classification.
Comment: The GAA c.2238G>C (p.Trp746Cys) variant has been reported in at least six studies in which it is found in a total of 31 individuals with glycogen storage disease, type II, including three in a homozygous state, 27 in a compound heterozygous state, and one in a heterozygous state in whom a second variant was not identified (Huie et al. 1994; Wan et al. 2008; Yang et al. 2011; Liu et al. 2014; Liong et al. 2014; Zhang et al. 2016). Ten of the compound heterozygous individuals were found to carry a second GAA variant in cis with the p.Trp746Cys variant (Huie et al. 1994; Yang et al. 2011). However, functional studies in cell lines demonstrated that expression of the p.Trp746Cys variant alone resulted in enzymatic activity that was 10-29% of wild type GAA activity (Huie et al. 1994; Huie et al. 1998; Yang et al. 2011; Nino et al. 2013). The p.Trp746Cys variant was absent from 100 controls and is reported at a frequency of 0.00048 in the European (non-Finnish) population of the Exome Aggregation Consortium. Based on the evidence, the p.Trp746Cys variant is classified as pathogenic for glycogen storage disease, type II. This variant was observed by ICSL as part of a predisposition screen in an ostensibly healthy population.

Women's Health and Genetics/Laboratory Corporation of America, LabCorp
Classification: Pathogenic for Glycogen storage disease, type II. Last evaluated: 2016-03-03. Review status: criteria provided, single submitter. Criteria: LabCorp Variant Classification Summary - May 2015. Collection method: clinical testing. Allele origin: germline. Not counted in ClinVar's aggregate classification.